The following is an entry in ClinVar:

NM_000257.4(MYH7):c.3705_3716del (p.Met1235_Ile1238del)

Gene: MYH7 (myosin heavy chain 7; minus strand). Cytogenetic location: 14q11.2.
Variant type: Deletion.
Coding change: c.3705_3716del on transcript NM_000257.4 (MANE Select); coding-DNA positions 3705 to 3716, 12 bases deleted (GGAGCAGATCAT).
Protein change: p.Met1235_Ile1238del.
Molecular consequence: inframe deletion.
Genome position (GRCh38, 1-based): chr14:23,419,855-23,419,866, ATGATCTGCTCC deleted on the plus strand (GGAGCAGATCAT on the coding strand, the reverse complement: MYH7 is on the minus strand); deleting any 12 consecutive bases within chr14:23,419,855-23,419,869 gives the same sequence; the c. name uses the placement nearest the transcript's 3' end. VCF-style (leftmost placement, unchanged base first): chr14-23419854-GATGATCTGCTCC-G. GRCh37 (hg19) VCF-style: chr14-23889063-GATGATCTGCTCC-G.
Other names: c.3705_3716del (LRG_384t1).
Identifiers: ClinVar variation 181364 (VCV000181364.10), dbSNP rs730880890, ClinGen allele CA013971.

ClinVar aggregate classification (germline): Conflicting classifications of pathogenicity. Review status: criteria provided, conflicting classifications (1 of 4 stars). 2 submissions from 2 submitters: Likely pathogenic (1); Uncertain significance (1). Last evaluated 2020-10-05.

Conditions:
Hypertrophic cardiomyopathy. Also called: HYPERTROPHIC MYOCARDIOPATHY. Identifiers: Orphanet 217569, MedGen C0007194, MeSH D002312, MONDO:0005045, HP:0001639.

Submissions (2):

Labcorp Genetics (formerly Invitae), Labcorp
Classification: Uncertain significance for Hypertrophic cardiomyopathy. Last evaluated: 2020-10-05. Review status: criteria provided, single submitter. Criteria: Invitae Variant Classification Sherloc (09022015). Collection method: clinical testing. Allele origin: germline.
Comment: In summary, the available evidence is currently insufficient to determine the role of this variant in disease. Therefore, it has been classified as a Variant of Uncertain Significance. Experimental studies and prediction algorithms are not available or were not evaluated, and the functional significance of this variant is currently unknown. This variant has not been reported in the literature in individuals with MYH7-related conditions. ClinVar contains an entry for this variant (Variation ID: 181364). This variant is not present in population databases (ExAC no frequency). This variant, c.3705_3716del, results in the deletion of 4 amino acid(s) of the MYH7 protein (p.Met1235_Ile1238del), but otherwise preserves the integrity of the reading frame.

GeneDx
Classification: Likely pathogenic. Last evaluated: 2014-07-29. Review status: criteria provided, single submitter. Criteria: GeneDx Variant Classification (06012015). Collection method: clinical testing. Allele origin: germline. Affected: yes.
Comment: The c.3705_3716delGGAGCAGATCAT variant has not been published as a mutation, nor has it been reported as a benign polymorphism to our knowledge. The c.3705_3716delGGAGCAGATCAT variant causes an in-frame deletion of four amino acid residues in the MYH7 gene. The c.3705_3716delGGAGCAGATCAT variant was not observed in approximately 6,500 individuals of European and African American ancestry in the NHLBI Exome Sequencing Project, indicating it is not a common benign variant in these populations. Other in-frame deletions (c.3300_3311delCGGCAGCCAGCT, c.3658_3660delGAG, c.4048_4050delGAG) have been reported in association with MYH7-related disorders. Therefore, this variant is a strong candidate for a pathogenic mutation, however the possibility that it is a benign variant cannot be excluded.